The following is an entry in ClinVar:

NM_003384.3(VRK1):c.469C>T (p.Leu157=)

Gene: VRK1 (VRK serine/threonine kinase 1; plus strand). Cytogenetic location: 14q32.2.
Variant type: single nucleotide variant.
Coding change: c.469C>T on transcript NM_003384.3 (MANE Select); coding-DNA position 469, C replaced by T.
Protein change: p.Leu157=; no amino-acid change (leucine 157 retained).
Molecular consequence: synonymous variant.
Genome position (GRCh38, 1-based): chr14:96,852,925, C>T. VCF-style: chr14-96852925-C-T. GRCh37 (hg19) VCF-style: chr14-97319262-C-T.
Other names: c.469C>T, p.Leu157= (NM_001411051.1, NM_001411053.1).
Identifiers: ClinVar variation 1954265 (VCV001954265.5), dbSNP rs1180740985, ClinGen allele CA487861171.
Genomic context (GRCh38, chr14:96,852,925, plus strand): 5'-GACCTTCAGAAAATATATGAAGCAAATGCCAAAAGGTTTTCTCGGAAAACTGTCTTGCAG[C>T]TAAGCTTAAGAATTGTATGTGAGCTATGTTCTTCTTGTTTTTAAAAAATTGTTTTGAGTA-3'
Protein context (NP_003375.1, residues 147-167): KRFSRKTVLQ[Leu157=]SLRILDILEY

ClinVar aggregate classification (germline): Uncertain significance (1 of 4 stars; one submission).

Conditions:
Pontocerebellar hypoplasia type 1A (PCH1A). Also called: PONTOCEREBELLAR HYPOPLASIA WITH ANTERIOR HORN CELL DISEASE; PONTOCEREBELLAR HYPOPLASIA WITH INFANTILE SPINAL MUSCULAR ATROPHY. Identifiers: Orphanet 2254, Orphanet 88616, MedGen C1843504, MONDO:0011866, OMIM 607596.

Allele frequency attached by ClinVar (database versions not stated): gnomAD 0.00001; gnomAD exomes 0.00001.

Submission:

Labcorp Genetics (formerly Invitae), Labcorp
Classification: Uncertain significance for Pontocerebellar hypoplasia type 1A. Last evaluated: 2022-06-10. Review status: criteria provided, single submitter. Criteria: Invitae Variant Classification Sherloc (09022015). Collection method: clinical testing. Allele origin: germline.
Comment: This sequence change affects codon 157 of the VRK1 mRNA. It is a 'silent' change, meaning that it does not change the encoded amino acid sequence of the VRK1 protein. This variant is present in population databases (no rsID available, gnomAD 0.0009%). This variant has not been reported in the literature in individuals affected with VRK1-related conditions. Algorithms developed to predict the effect of sequence changes on RNA splicing suggest that this variant may create or strengthen a splice site. In summary, the available evidence is currently insufficient to determine the role of this variant in disease. Therefore, it has been classified as a Variant of Uncertain Significance.